The following is an entry in ClinVar:

NM_020831.6(MRTFA):c.410C>T (p.Ser137Leu)

Gene: MRTFA (myocardin related transcription factor A; minus strand). Cytogenetic location: 22q13.1.
Variant type: single nucleotide variant.
Coding change: c.410C>T on transcript NM_020831.6 (MANE Select); coding-DNA position 410, C replaced by T.
Protein change: p.Ser137Leu; replaces serine 137 with leucine.
Molecular consequence: missense variant.
Genome position (GRCh38, 1-based): chr22:40,431,434, G>A on the plus strand (C>T on the coding strand, the complement: MRTFA is on the minus strand). VCF-style: chr22-40431434-G-A. GRCh37 (hg19) VCF-style: chr22-40827438-G-A.
Other names: c.110C>T, p.Ser37Leu (NM_001282660.2); c.410C>T, p.Ser137Leu (NM_001282661.3, NM_001282662.3); c.215C>T, p.Ser72Leu (NM_001318139.2); short protein forms S137L, S37L, S72L.
Identifiers: ClinVar variation 1683161 (VCV001683161.8), dbSNP rs780837181, ClinGen allele CA10249992.
Genomic context (GRCh38, chr22:40,431,434, plus strand): 5'-CTAGATGGAAAAGCAATTCCAATCTCCACACCTTCCAAAATGTGCATCCTGACCAGCTCC[G>A]ATCTCTCCGGCCGGGAACGAATCTTCCGTTTGAGATAGTCCTCTGTCTACAGAAAAAACA-3'
Protein context (NP_065882.2, residues 127-147): KRKIRSRPER[Ser137Leu]ELVRMHILEE

ClinVar aggregate classification (germline): Uncertain significance (1 of 4 stars; one submission).

Allele frequency attached by ClinVar (database versions not stated): gnomAD 0.00001; gnomAD exomes 0.00001; TOPMed 0.00001; ExAC 0.00002.

Submission:

Labcorp Genetics (formerly Invitae), Labcorp
Classification: Uncertain significance. Last evaluated: 2022-03-23. Review status: criteria provided, single submitter. Criteria: Invitae Variant Classification Sherloc (09022015). Collection method: clinical testing. Allele origin: germline.
Comment: This sequence change replaces serine, which is neutral and polar, with leucine, which is neutral and non-polar, at codon 37 of the MKL1 protein (p.Ser37Leu). This variant is present in population databases (rs780837181, gnomAD 0.004%). This variant has not been reported in the literature in individuals affected with MKL1-related conditions. Algorithms developed to predict the effect of missense changes on protein structure and function are either unavailable or do not agree on the potential impact of this missense change (SIFT: "Deleterious"; PolyPhen-2: "Benign"; Align-GVGD: "Class C0"). In summary, the available evidence is currently insufficient to determine the role of this variant in disease. Therefore, it has been classified as a Variant of Uncertain Significance.